The following is an entry in ClinVar:

ClinVar aggregate classification (germline): Likely benign (0 of 4 stars; one submission).

Conditions:
SLC9A3-related disorder. Also called: SLC9A3-related condition.

gnomAD v4.1: 2 of 1,612,440 alleles (0.00012%); highest among the groups gnomAD compares: Admixed American, 0.0017%; no homozygotes.

Submission:

PreventionGenetics, part of Exact Sciences
Classification: Likely benign for SLC9A3-related condition. Last evaluated: 2023-04-17. Review status: no assertion criteria provided. Collection method: clinical testing. Allele origin: germline.
Comment: This variant is classified as likely benign based on ACMG/AMP sequence variant interpretation guidelines (Richards et al. 2015 PMID: 25741868, with internal and published modifications).

NM_004174.4(SLC9A3):c.1245C>A (p.Arg415=)

Gene: SLC9A3 (solute carrier family 9 member A3). Cytogenetic location: 5p15.33.
Variant type: single nucleotide variant.
Coding change: c.1245C>A on transcript NM_004174.4 (MANE Select); coding-DNA position 1245, C replaced by A.
Protein change: p.Arg415=; no amino-acid change (arginine 415 retained).
Molecular consequence: synonymous variant.
Genome position (GRCh38, 1-based): chr5:482,659, G>T on the plus strand (C>A on the coding strand, the complement: SLC9A3 is on the minus strand). VCF-style: chr5-482659-G-T. GRCh37 (hg19) VCF-style: chr5-482774-G-T.
Other names: c.1245C>A, p.Arg415= (NM_001284351.3).
Identifiers: ClinVar variation 3045275 (VCV003045275.2), dbSNP rs143761751, ClinGen allele CA442972961.